The following is an entry in ClinVar:

ClinVar aggregate classification (germline): Pathogenic/Likely pathogenic. Review status: criteria provided, multiple submitters, no conflicts (2 of 4 stars). 3 submissions from 3 submitters: Pathogenic (2); Likely pathogenic (1). Last evaluated 2025-05-09.

Conditions:
SLC4A11-related disorder. Also called: SLC4A11-related condition.
Corneal dystrophy-perceptive deafness syndrome (CDPD). Also called: CORNEAL DYSTROPHY AND SENSORINEURAL DEAFNESS; HARBOYAN SYNDROME. Identifiers: Orphanet 1490, MedGen C1857572, MONDO:0009015, OMIM 217400.

gnomAD v4.1: 8 of 1,613,148 alleles (0.0005%); highest among the groups gnomAD compares: Middle Eastern, 0.016%; no homozygotes.

Submissions (3):

Natera, Inc.
Classification: Likely pathogenic for Corneal dystrophy-perceptive deafness syndrome. Last evaluated: 2025-05-09. Review status: criteria provided, single submitter. Criteria: Natera Variant Classification Schema (03/2026). Collection method: clinical testing. Allele origin: germline.
Comment: The c.2318C>T variant in SLC4A11 is a missense variant predicted to cause substitution of proline to leucine at amino acid 773. This variant is rare in the general population with a frequency below the threshold expected for the associated phenotype(s). This variant has been observed in one or more individuals affected with the associated recessive disease, as either homozygous or compound heterozygous with a second variant (PMID: 18474783, 31420327). Functional studies show that this variant may disrupt protein function (PMID: 29327391). Computational prediction algorithms indicate this variant is likely to affect gene or protein function. Given the available evidence, this variant is classified as Likely Pathogenic.

Labcorp Genetics (formerly Invitae), Labcorp
Classification: Pathogenic. Last evaluated: 2023-10-04. Review status: criteria provided, single submitter. Criteria: Invitae Variant Classification Sherloc (09022015). Collection method: clinical testing. Allele origin: germline.
Comment: This sequence change replaces proline, which is neutral and non-polar, with leucine, which is neutral and non-polar, at codon 773 of the SLC4A11 protein (p.Pro773Leu). This variant is not present in population databases (gnomAD no frequency). This missense change has been observed in individual(s) with congenital hereditary endothelial dystrophy (PMID: 17679935, 31420327). In at least one individual the data is consistent with being in trans (on the opposite chromosome) from a pathogenic variant. Advanced modeling of protein sequence and biophysical properties (such as structural, functional, and spatial information, amino acid conservation, physicochemical variation, residue mobility, and thermodynamic stability) has been performed at Invitae for this missense variant, however the output from this modeling did not meet the statistical confidence thresholds required to predict the impact of this variant on SLC4A11 protein function. Experimental studies have shown that this missense change affects SLC4A11 function (PMID: 29327391). For these reasons, this variant has been classified as Pathogenic.

Blueprint Genetics
Classification: Pathogenic for SLC4A11-related disorders. Last evaluated: 2019-09-05. Review status: criteria provided, single submitter. Criteria: ACMG Guidelines, 2015. Collection method: clinical testing. Allele origin: germline. Affected: yes. Observed: 1 variant allele.

Literature cited by the submitters: PubMed 18474783 (cited by Natera, Inc.); PubMed 31420327 (cited by Natera, Inc. and Labcorp Genetics (formerly Invitae), Labcorp); PubMed 29327391 (cited by Natera, Inc. and Labcorp Genetics (formerly Invitae), Labcorp); PubMed 17679935 (cited by Labcorp Genetics (formerly Invitae), Labcorp).

NM_001174089.2(SLC4A11):c.2270C>T (p.Pro757Leu)

Gene: SLC4A11 (solute carrier family 4 member 11; minus strand). Cytogenetic location: 20p13.
Variant type: single nucleotide variant.
Coding change: c.2270C>T on transcript NM_001174089.2 (MANE Select); coding-DNA position 2270, C replaced by T.
Protein change: p.Pro757Leu; replaces proline 757 with leucine.
Molecular consequence: missense variant. On other transcripts: non-coding transcript variant (3).
Genome position (GRCh38, 1-based): chr20:3,228,630, G>A on the plus strand (C>T on the coding strand, the complement: SLC4A11 is on the minus strand). VCF-style: chr20-3228630-G-A. GRCh37 (hg19) VCF-style: chr20-3209276-G-A.
Other names: c.2399C>T, p.Pro800Leu (NM_001174090.2); c.2156C>T, p.Pro719Leu (NM_001363745.2); c.2213C>T, p.Pro738Leu (NM_001400277.1, NM_001400278.1, NM_001400279.1); c.2285C>T, p.Pro762Leu (NM_001400280.1); c.2318C>T, p.Pro773Leu (NM_032034.4); c.2318C>T (NM_032034.3); short protein forms P757L, P773L, P719L, P738L, P762L, P800L.
Identifiers: ClinVar variation 2733080 (VCV002733080.5), dbSNP rs1465111896, ClinGen allele CA408086238.
Genomic context (GRCh38, chr20:3,228,630, plus strand): 5'-AGCGCGATGTAGAGGAAGAGGCCATAGAGCACGGGCTTGGGGATCCACTGAAGCGGGACC[G>A]GCAGCAGCAACAGGGACAGGCCCACCAGGACGCTGGCGCCCAGCGAGGTCAGCCGCGTCT-3'
Protein context (NP_001167560.1, residues 747-767): VLVGLSLLLL[Pro757Leu]VPLQWIPKPV